The following is an entry in ClinVar:

NC_000015.9:g.(?_25584273)_(25650609_?)del

Gene: UBE3A (ubiquitin protein ligase E3A; minus strand). Cytogenetic location: 15q11.2.
Variant type: Deletion.
Identifiers: ClinVar variation 1069013 (VCV001069013.1).

ClinVar aggregate classification (germline): Pathogenic (1 of 4 stars; one submission).

Conditions:
Angelman syndrome (AS). Also called: HAPPY PUPPET SYNDROME. Identifiers: Orphanet 72, MedGen C0162635, MONDO:0007113, OMIM 105830. Disease mechanism: loss of function. Inheritance: AS is caused by disruption of maternally imprinted UBE3A located within the 15q11.2-q13 Angelman syndrome/Prader-Willi syndrome (AS/PWS) region., imprinting disorder.

Submission:

Labcorp Genetics (formerly Invitae), Labcorp
Classification: Pathogenic for Angelman syndrome. Last evaluated: 2020-10-24. Review status: criteria provided, single submitter. Criteria: Invitae Variant Classification Sherloc (09022015). Collection method: clinical testing. Allele origin: germline.
Comment: A gross deletion of the genomic region encompassing the full coding sequence of the UBE3A gene has been identified. The boundaries of this event are unknown as the deletion extends beyond the assayed region for this gene and therefore may encompass additional genes. Deletions of only UBE3A have not been reported in the literature in individuals with UBE3A-related disease. Larger deletions of chromosome 15 encompassing this gene and neighboring genes have been reported in individuals affected with Angelman syndrome (PMID: 25099823, 12210318, 18821858) as well as epileptic encephalopathy (PMID: 22190369). Loss-of-function variants in UBE3A are known to be pathogenic (PMID: 25212744). For these reasons, this variant has been classified as Pathogenic.

Literature cited by the submitters: PubMed 25099823; PubMed 12210318; PubMed 18821858; PubMed 22190369; PubMed 25212744.